The following is an entry in ClinVar:

NM_018127.7(ELAC2):c.2109-6C>T

Gene: ELAC2 (elaC ribonuclease Z 2; minus strand). Cytogenetic location: 17p12.
Variant type: single nucleotide variant.
Coding change: c.2109-6C>T on transcript NM_018127.7 (MANE Select); 6 bases into the intron before coding-DNA position 2109, C replaced by T.
Molecular consequence: intron variant.
Genome position (GRCh38, 1-based): chr17:12,993,837, G>A on the plus strand (C>T on the coding strand, the complement: ELAC2 is on the minus strand). VCF-style: chr17-12993837-G-A. GRCh37 (hg19) VCF-style: chr17-12897154-G-A.
Other names: c.1989-6C>T (NM_001165962.2); c.2106-6C>T (NM_173717.2).
Identifiers: ClinVar variation 512286 (VCV000512286.1), dbSNP rs1372118798, ClinGen allele CA624927069.

ClinVar aggregate classification (germline): Likely benign (1 of 4 stars; one submission).

Allele frequency attached by ClinVar (database versions not stated): TOPMed 0.00001 and below 0.00001; gnomAD 0.00001; gnomAD exomes below 0.00001.
gnomAD v4.1: 4 of 1,614,086 alleles (0.00025%); highest among the groups gnomAD compares: Non-Finnish European, 0.00034%; no homozygotes.

Submission:

GeneDx
Classification: Likely benign. Last evaluated: 2017-10-12. Review status: criteria provided, single submitter. Criteria: GeneDx Variant Classification (06012015). Collection method: clinical testing. Allele origin: germline. Affected: yes.
Comment: This variant is considered likely benign or benign based on one or more of the following criteria: it is a conservative change, it occurs at a poorly conserved position in the protein, it is predicted to be benign by multiple in silico algorithms, and/or has population frequency not consistent with disease.